The following is an entry in ClinVar:

ClinVar aggregate classification (germline): Pathogenic. Review status: criteria provided, multiple submitters, no conflicts (2 of 4 stars). 2 submissions from 2 submitters: Pathogenic (2). Last evaluated 2026-03-04.

Conditions:
Fanconi anemia (FA). Also called: Fanconi's anemia. Identifiers: Orphanet 84, MedGen C0015625, MeSH D005199, MONDO:0019391.
Fanconi anemia complementation group A (FANCA). Also called: FANCA-Related Fanconi Anemia; Fanconi anemia, group A. Identifiers: Orphanet 84, MedGen C3469521, MONDO:0009215, OMIM 227650.

Submissions (2):

Myriad Genetics, Inc.
Classification: Pathogenic for Fanconi anemia complementation group A. Last evaluated: 2026-03-04. Review status: criteria provided, single submitter. Criteria: Myriad Autosomal Dominant, Autosomal Recessive and X-Linked Classification Criteria (2023). Collection method: clinical testing. Allele origin: unknown.
Comment: NM_000135.2(FANCA):c.1942_1943insCTCG(E648Afs*25) is a frameshift variant classified as pathogenic in the context of Fanconi anemia complementation group A. E648Afs*25 has not been observed in cases with relevant disease. Relevant functional assessments of this variant are not available in the literature. E648Afs*25 has not been observed in referenced population frequency databases. In summary, NM_000135.2(FANCA):c.1942_1943insCTCG(E648Afs*25) is a frameshift variant in a gene where loss of function is a known mechanism of disease and is predicted to disrupt protein function. Please note: this variant was assessed in the context of healthy population screening.

Labcorp Genetics (formerly Invitae), Labcorp
Classification: Pathogenic for Fanconi anemia. Last evaluated: 2025-01-19. Review status: criteria provided, single submitter. Criteria: Invitae Variant Classification Sherloc (09022015). Collection method: clinical testing. Allele origin: germline.
Comment: This sequence change creates a premature translational stop signal (p.Glu648Alafs*25) in the FANCA gene. It is expected to result in an absent or disrupted protein product. Loss-of-function variants in FANCA are known to be pathogenic (PMID: 19367192). This variant is not present in population databases (gnomAD no frequency). This variant has not been reported in the literature in individuals affected with FANCA-related conditions. For these reasons, this variant has been classified as Pathogenic.

Literature cited by the submitters: PubMed 19367192 (cited by Labcorp Genetics (formerly Invitae), Labcorp).

NM_000135.4(FANCA):c.1942_1943insCTCG (p.Glu648fs)

Gene: FANCA (FA complementation group A; minus strand). Cytogenetic location: 16q24.3.
Variant type: Insertion.
Coding change: c.1942_1943insCTCG on transcript NM_000135.4 (MANE Select); coding-DNA positions 1942 to 1943, CTCG inserted.
Protein change: p.Glu648fs; shifts the reading frame from glutamic acid 648.
Molecular consequence: frameshift variant.
Genome position: GRCh38 VCF-style: chr16-89773342-T-TCGAG. GRCh37 (hg19) VCF-style: chr16-89839750-T-TCGAG.
Other names: c.1942_1943insCTCG, p.Glu648fs (NM_001286167.3); short protein forms E648fs.
Identifiers: ClinVar variation 3685321 (VCV003685321.3).
Genomic context (GRCh38, chr16:89,773,342, plus strand): 5'-CTGGGGTCTGTCATGGAGGCTCTCAGCTCTCCCAGTGCAGCTGTGAGCTGTCCCAGGGGC[T>TCGAG]CCTCAGCAGAGTTGGGTTCTGCCCTCACTCCCAGGGCTGCATCTGTGAGAAGAAGGAAGA-3'